The following is an entry in ClinVar:

ClinVar aggregate classification (germline): Uncertain significance. Review status: criteria provided, multiple submitters, no conflicts (2 of 4 stars). 2 submissions from 2 submitters: Uncertain significance (2). Last evaluated 2024-02-01.

Conditions:
Immunodeficiency, common variable, 7. Identifiers: Orphanet 1572, Orphanet 696894, MedGen C3542922, MONDO:0013862, OMIM 614699.

Allele frequency attached by ClinVar (database versions not stated): gnomAD 0.00001; TOPMed 0.00002; ESP Exome Variant Server 0.00015.
gnomAD v4.1: 47 of 1,613,742 alleles (0.0029%); highest among the groups gnomAD compares: Non-Finnish European, 0.0039%; no homozygotes.

Submissions (2):

CeGaT Center for Human Genetics Tuebingen
Classification: Uncertain significance. Last evaluated: 2024-02-01. Review status: criteria provided, single submitter. Criteria: CeGaT Center For Human Genetics Tuebingen Variant Classification Criteria Version 2. Collection method: clinical testing. Allele origin: germline. Affected: yes. Observed: 1 variant allele.
Comment: CR2: PM2

Labcorp Genetics (formerly Invitae), Labcorp
Classification: Uncertain significance for Immunodeficiency, common variable, 7. Last evaluated: 2023-12-11. Review status: criteria provided, single submitter. Criteria: Invitae Variant Classification Sherloc (09022015). Collection method: clinical testing. Allele origin: germline.
Comment: This sequence change replaces proline, which is neutral and non-polar, with histidine, which is basic and polar, at codon 1023 of the CR2 protein (p.Pro1023His). This variant is present in population databases (rs148092679, gnomAD 0.007%). This variant has not been reported in the literature in individuals affected with CR2-related conditions. ClinVar contains an entry for this variant (Variation ID: 1916135). An algorithm developed to predict the effect of missense changes on protein structure and function (PolyPhen-2) suggests that this variant is likely to be disruptive. In summary, the available evidence is currently insufficient to determine the role of this variant in disease. Therefore, it has been classified as a Variant of Uncertain Significance.

NM_001006658.3(CR2):c.3068C>A (p.Pro1023His)

Gene: CR2 (complement C3d receptor 2; plus strand). Cytogenetic location: 1q32.2.
Variant type: single nucleotide variant.
Coding change: c.3068C>A on transcript NM_001006658.3 (MANE Select); coding-DNA position 3068, C replaced by A.
Protein change: p.Pro1023His; replaces proline 1023 with histidine.
Molecular consequence: missense variant.
Genome position (GRCh38, 1-based): chr1:207,478,050, C>A. VCF-style: chr1-207478050-C-A. GRCh37 (hg19) VCF-style: chr1-207651395-C-A.
Other names: c.2891C>A, p.Pro964His (NM_001877.5); short protein forms P1023H, P964H.
Identifiers: ClinVar variation 1916135 (VCV001916135.25), dbSNP rs148092679, ClinGen allele CA1369113.
Genomic context (GRCh38, chr1:207,478,050, plus strand): 5'-GGTATATGCTGGAAGGCAGTCCCCAGAGCCAGTGCCAATCGGATCACCAATGGAACCCTC[C>A]CCTGGCGGTTTGCAGATCCCGTAAGTACCAAGGGCTTCACCGCCGCTTGTAACTGGCTAA-3'
Protein context (NP_001006659.1, residues 1013-1033): QCQSDHQWNP[Pro1023His]LAVCRSRSLA